The following is an entry in ClinVar:

ClinVar aggregate classification (germline): Uncertain significance. Review status: criteria provided, multiple submitters, no conflicts (2 of 4 stars). 3 submissions from 3 submitters: Uncertain significance (3). Last evaluated 2026-01-16.

Conditions:
NOTCH3-related disorder. Also called: NOTCH3-related condition; NOTCH3-related disorders.
Cerebral arteriopathy, autosomal dominant, with subcortical infarcts and leukoencephalopathy, type 1 (CADASIL1). Also called: CASIL; Cerebral arteriopathy with subcortical infarcts and leukoencephalopathy 1; CADASIL 1; DEMENTIA, HEREDITARY MULTIINFARCT TYPE. Identifiers: Orphanet 136, MedGen C4551768, MONDO:0000914, OMIM 125310.

Allele frequency attached by ClinVar (database versions not stated): gnomAD 0.00001; gnomAD exomes 0.00001.
gnomAD v4.1: 17 of 1,585,240 alleles (0.0011%); highest among the groups gnomAD compares: Admixed American, 0.0018%; no homozygotes.

Submissions (3):

Dasa
Classification: Uncertain significance for Cerebral arteriopathy, autosomal dominant, with subcortical infarcts and leukoencephalopathy, type 1. Last evaluated: 2026-01-16. Review status: criteria provided, single submitter. Criteria: DASA Assertion Criteria. Collection method: clinical testing. Allele origin: germline.
Comment: NM_000435.3(NOTCH3):c.3083G>C (p.Trp1028Ser) is a missense variant that results in the substitution of tryptophan with serine. The affected residue or protein region has prior evidence supporting clinical relevance. This variant is absent from population databases. Computational prediction algorithms are consistent with a deleterious effect. The currently available literature and clinical evidence are not sufficient to establish a definitive association between this variant and the reported condition. Therefore, this variant is classified as a variant of uncertain significance.

PreventionGenetics, part of Exact Sciences
Classification: Uncertain significance for NOTCH3-related condition. Last evaluated: 2025-02-12. Review status: criteria provided, single submitter. Criteria: ACMG Guidelines, 2015. Collection method: clinical testing. Allele origin: germline.
Comment: The NOTCH3 c.3083G>C variant is predicted to result in the amino acid substitution p.Trp1028Ser. This variant has been reported in an individual with breast cancer who also harbors a pathogenic variant in BRCA2 (Table 2, Dominguez-Valentin et al. 2018. PubMed ID: 29371908). This variant has not been reported in a large population database (gnomAD), indicating this variant is rare. An alternate nucleotide change affecting the same amino acid (p.Trp1028Cys) has been reported in an individual with cerebral autosomal dominant arteriopathy with subcortical infarcts and leukoencephalopathy (CADASIL) (Xiromerisiou et al. 2020. PubMed ID: 32582863). At this time, the clinical significance of the c.3083G>C (p.Trp1028Ser) variant is uncertain due to the absence of conclusive functional and genetic evidence.

Labcorp Genetics (formerly Invitae), Labcorp
Classification: Uncertain significance. Last evaluated: 2024-01-08. Review status: criteria provided, single submitter. Criteria: Invitae Variant Classification Sherloc (09022015). Collection method: clinical testing. Allele origin: germline.
Comment: This sequence change replaces tryptophan, which is neutral and slightly polar, with serine, which is neutral and polar, at codon 1028 of the NOTCH3 protein (p.Trp1028Ser). This variant is not present in population databases (gnomAD no frequency). This variant has not been reported in the literature in individuals affected with NOTCH3-related conditions. ClinVar contains an entry for this variant (Variation ID: 1515412). Advanced modeling of protein sequence and biophysical properties (such as structural, functional, and spatial information, amino acid conservation, physicochemical variation, residue mobility, and thermodynamic stability) performed at Invitae indicates that this missense variant is expected to disrupt NOTCH3 protein function with a positive predictive value of 95%. In summary, the available evidence is currently insufficient to determine the role of this variant in disease. Therefore, it has been classified as a Variant of Uncertain Significance.

NM_000435.3(NOTCH3):c.3083G>C (p.Trp1028Ser)

Gene: NOTCH3 (notch receptor 3; minus strand). Cytogenetic location: 19p13.12.
Variant type: single nucleotide variant.
Coding change: c.3083G>C on transcript NM_000435.3 (MANE Select); coding-DNA position 3083, G replaced by C.
Protein change: p.Trp1028Ser; replaces tryptophan 1028 with serine.
Molecular consequence: missense variant.
Genome position (GRCh38, 1-based): chr19:15,180,740, C>G on the plus strand (G>C on the coding strand, the complement: NOTCH3 is on the minus strand). VCF-style: chr19-15180740-C-G. GRCh37 (hg19) VCF-style: chr19-15291551-C-G.
Other names: c.3083G>C (NM_000435.2); short protein forms W1028S.
Identifiers: ClinVar variation 1515412 (VCV001515412.9), dbSNP rs146829488, ClinGen allele CA305770329.